The following is an entry in ClinVar:

ClinVar aggregate classification (germline): Uncertain significance (1 of 4 stars; one submission).

Submission:

GeneDx
Classification: Uncertain significance. Last evaluated: 2022-04-29. Review status: criteria provided, single submitter. Criteria: GeneDx Variant Classification Process June 2021. Collection method: clinical testing. Allele origin: germline. Affected: yes.
Comment: Not observed at significant frequency in large population cohorts (gnomAD); Nonsense variant predicted to result in protein truncation or nonsense mediated decay in a gene or region of a gene for which loss of function is not a well-established mechanism of disease; Has not been previously published as pathogenic or benign to our knowledge

NM_001273.5(CHD4):c.4057C>T (p.Arg1353Ter)

Genes: CHD4 (chromodomain helicase DNA binding protein 4; minus strand), CHD4-AS1 (CHD4 antisense RNA 1; plus strand). Cytogenetic location: 12p13.31.
Variant type: single nucleotide variant.
Coding change: c.4057C>T on transcript NM_001273.5 (MANE Select); coding-DNA position 4057, C replaced by T.
Protein change: p.Arg1353Ter; replaces arginine 1353 with a stop codon.
Molecular consequence: nonsense.
Genome position (GRCh38, 1-based): chr12:6,583,201, G>A on the plus strand (C>T on the coding strand, the complement: CHD4 is on the minus strand). VCF-style: chr12-6583201-G-A. GRCh37 (hg19) VCF-style: chr12-6692367-G-A.
Other names: c.4036C>T, p.Arg1346Ter (NM_001297553.2); c.4018C>T, p.Arg1340Ter (NM_001363606.2); short protein forms R1340*, R1346*, R1353*.
Identifiers: ClinVar variation 1712598 (VCV001712598.2), dbSNP rs1948225827, ClinGen allele CA383576923.